The following is an entry in ClinVar:

ClinVar aggregate classification (germline): Uncertain significance. Review status: criteria provided, multiple submitters, no conflicts (2 of 4 stars). 3 submissions from 3 submitters: Uncertain significance (3). Last evaluated 2025-03-01.

Conditions:
Inborn genetic diseases. Identifiers: MedGen C0950123, MeSH D030342.
Spastic paraplegia. Identifiers: MedGen C0037772, HP:0001258.

Allele frequency attached by ClinVar (database versions not stated): TOPMed 0.00002; gnomAD exomes 0.00004 and 0.00010; gnomAD 0.00005; ExAC 0.00012.
gnomAD v4.1: 72 of 1,614,034 alleles (0.0045%); highest among the groups gnomAD compares: South Asian, 0.074%; no homozygotes.

Submissions (3):

Ambry Genetics
Classification: Uncertain significance for Inborn genetic diseases. Last evaluated: 2025-03-01. Review status: criteria provided, single submitter. Criteria: Ambry Variant Classification Scheme 2023. Collection method: clinical testing. Allele origin: germline.

Labcorp Genetics (formerly Invitae), Labcorp
Classification: Uncertain significance for Spastic paraplegia. Last evaluated: 2025-02-16. Review status: criteria provided, single submitter. Criteria: Invitae Variant Classification Sherloc (09022015). Collection method: clinical testing. Allele origin: germline.
Comment: This sequence change replaces valine, which is neutral and non-polar, with leucine, which is neutral and non-polar, at codon 609 of the AP4E1 protein (p.Val609Leu). This variant is present in population databases (rs767378180, gnomAD 0.08%). This variant has not been reported in the literature in individuals affected with AP4E1-related conditions. ClinVar contains an entry for this variant (Variation ID: 1337595). An algorithm developed to predict the effect of missense changes on protein structure and function outputs the following: PolyPhen-2: "Benign". The leucine amino acid residue is found in multiple mammalian species, which suggests that this missense change does not adversely affect protein function. In summary, the available evidence is currently insufficient to determine the role of this variant in disease. Therefore, it has been classified as a Variant of Uncertain Significance.

Genetic Services Laboratory, University of Chicago
Classification: Uncertain significance. Last evaluated: 2020-05-15. Review status: criteria provided, single submitter. Criteria: ACMG Guidelines, 2015. Collection method: clinical testing. Allele origin: germline. Affected: no.
Comment: DNA sequence analysis of the AP4E1 gene demonstrated a sequence change, c.1825G>C, in exon 14 that results in an amino acid change, p.Val609Leu. This sequence change does not appear to have been previously described in patients with AP4E1-related disorders and has been described in the gnomAD database with a low population frequency of 0.085% in the South Asian subpopulation (dbSNP rs767378180). The p.Val609Leu change affects a poorly conserved amino acid residue located in a domain of the AP4E1 protein that is known to be functional. The p.Val609Leu substitution appears to be benign using several in-silico pathogenicity prediction tools (SIFT, PolyPhen2, Align GVGD, REVEL). Due to these contrasting evidences and the lack of functional studies, the clinical significance of the p.Val609Leu change remains unknown at this time.

NM_007347.5(AP4E1):c.1825G>C (p.Val609Leu)

Gene: AP4E1 (adaptor related protein complex 4 subunit epsilon 1; plus strand). Cytogenetic location: 15q21.2.
Variant type: single nucleotide variant.
Coding change: c.1825G>C on transcript NM_007347.5 (MANE Select); coding-DNA position 1825, G replaced by C.
Protein change: p.Val609Leu; replaces valine 609 with leucine.
Molecular consequence: missense variant.
Genome position (GRCh38, 1-based): chr15:50,958,768, G>C. VCF-style: chr15-50958768-G-C. GRCh37 (hg19) VCF-style: chr15-51250965-G-C.
Other names: c.1600G>C, p.Val534Leu (NM_001252127.2); short protein forms V534L, V609L.
Identifiers: ClinVar variation 1337595 (VCV001337595.6), dbSNP rs767378180, ClinGen allele CA7559160.